The following is an entry in ClinVar:

NM_020791.4(TAOK1):c.1532T>A (p.Met511Lys)

Gene: TAOK1 (TAO kinase 1; plus strand). Cytogenetic location: 17q11.2.
Variant type: single nucleotide variant.
Coding change: c.1532T>A on transcript NM_020791.4 (MANE Select); coding-DNA position 1532, T replaced by A.
Protein change: p.Met511Lys; replaces methionine 511 with lysine.
Molecular consequence: missense variant.
Genome position (GRCh38, 1-based): chr17:29,508,089, T>A. VCF-style: chr17-29508089-T-A. GRCh37 (hg19) VCF-style: chr17-27835107-T-A.
Other names: c.1532T>A, p.Met511Lys (NM_025142.1); short protein forms M511K.
Identifiers: ClinVar variation 3897237 (VCV003897237.1).

ClinVar aggregate classification (germline): Uncertain significance (1 of 4 stars; one submission).

Submission:

GeneDx
Classification: Uncertain significance. Last evaluated: 2024-10-31. Review status: criteria provided, single submitter. Criteria: GeneDx Variant Classification Process June 2021. Collection method: clinical testing. Allele origin: germline. Affected: yes.
Comment: Not observed at significant frequency in large population cohorts (gnomAD); In silico analysis supports that this missense variant has a deleterious effect on protein structure/function; Has not been previously published as pathogenic or benign to our knowledge